The following is an entry in ClinVar:

ClinVar aggregate classification (germline): Pathogenic. Review status: criteria provided, multiple submitters, no conflicts (2 of 4 stars). 5 submissions from 5 submitters: Pathogenic (4). 1 of the submissions does not count toward it. Last evaluated 2024-06-13.

Conditions:
MEF2C-related disorder. Also called: MEF2C-related condition; MEF2C-related disorders. Identifiers: MedGen CN381096.
Inborn genetic diseases. Identifiers: MedGen C0950123, MeSH D030342.
Neurodevelopmental disorder with hypotonia, stereotypic hand movements, and impaired language. Also called: Intellectual disability, autosomal dominant 20. Identifiers: Orphanet 228384, Orphanet 664410, MedGen C3150700, MONDO:0013266, OMIM 613443.

Submissions (5):

Ambry Genetics
Classification: Pathogenic for Inborn genetic diseases. Last evaluated: 2024-06-13. Review status: criteria provided, single submitter. Criteria: Ambry Variant Classification Scheme 2023. Collection method: clinical testing. Allele origin: germline.
Comment: The c.833delT (p.L278*) alteration, located in exon 8 (coding exon 7) of the MEF2C gene, consists of a deletion of one nucleotide at position 833. This changes the amino acid from a leucine (L) to a stop codon at amino acid position 278. This alteration is expected to result in loss of function by premature protein truncation or nonsense-mediated mRNA decay. This variant was not reported in population-based cohorts in the Genome Aggregation Database (gnomAD). This variant was reported in two individuals with features consistent with MEF2C-related neurodevelopmental disorder, including a de novo occurrence (Paciorkowski, 2013; Yan, 2023). Based on the available evidence, this alteration is classified as pathogenic.

Blueprint Genetics
Classification: Pathogenic for MEF2C-related disorders. Last evaluated: 2022-12-05. Review status: criteria provided, single submitter. Criteria: ACMG Guidelines, 2015. Collection method: clinical testing. Allele origin: germline. Affected: yes. Observed: 1 variant allele.

GeneDx
Classification: Pathogenic. Last evaluated: 2022-05-11. Review status: criteria provided, single submitter. Criteria: GeneDx Variant Classification Process June 2021. Collection method: clinical testing. Allele origin: germline. Affected: yes.
Comment: Nonsense variant predicted to result in protein truncation or nonsense mediated decay in a gene for which loss of function is a known mechanism of disease; Observed in an individual with global delays, epilepsy, hyperkinesis, and normal brain MRI in the literature (Paciorkowski et al., 2013); Not observed at significant frequency in large population cohorts (gnomAD); This variant is associated with the following publications: (PMID: 23389741)

Genetic Services Laboratory, University of Chicago
Classification: Pathogenic for Mental retardation, stereotypic movements, epilepsy, and/or cerebral malformations. Last evaluated: 2013-02-08. Review status: criteria provided, single submitter. Criteria: ACMG Guidelines, 2007. Collection method: clinical testing. Allele origin: germline. Inheritance: Autosomal dominant inheritance. Affected: yes.

OMIM
Classification: Pathogenic for NEURODEVELOPMENTAL DISORDER WITH HYPOTONIA, STEREOTYPIC HAND MOVEMENTS, AND IMPAIRED LANGUAGE. Last evaluated: 2013-05-01. Review status: no assertion criteria provided. Collection method: literature only. Allele origin: germline. Not counted in ClinVar's aggregate classification.

Literature cited by the submitters: PubMed 23389741 (cited by Ambry Genetics and OMIM); PubMed 37730226 (cited by Ambry Genetics).

NM_002397.5(MEF2C):c.833del (p.Leu277_Leu278insTer)

Gene: MEF2C (myocyte enhancer factor 2C; minus strand). Cytogenetic location: 5q14.3.
Variant type: Deletion.
Coding change: c.833del on transcript NM_002397.5 (MANE Select); coding-DNA position 833, one base deleted (T; older notation c.833delT).
Protein change: p.Leu277_Leu278insTer.
Molecular consequence: nonsense. On other transcripts: intron variant (16).
Genome position (GRCh38, 1-based): chr5:88,730,212, A deleted on the plus strand (T on the coding strand, the reverse complement: MEF2C is on the minus strand); the first of 4 consecutive A bases (chr5:88,730,212-88,730,215); deleting any one gives the same sequence. VCF-style (leftmost placement, unchanged base first): chr5-88730211-CA-C. GRCh37 (hg19) VCF-style: chr5-88026028-CA-C.
Other names: c.833delT (NM_002397.4, NM_002397.5, NM_002397.3); c.833del, p.Leu277_Leu278insTer (NM_001364345.2, NM_001364346.2, NM_001364347.2 and 9 more transcripts); c.455del, p.Leu151_Leu152insTer (NM_001364353.2, NM_001364356.2); c.689del, p.Leu229_Leu230insTer (NM_001364354.2, NM_001364355.2, NM_001364344.2 and 2 more transcripts); c.811-865del (NM_001364333.2, NM_001308002.3, NM_001364349.2 and 6 more transcripts); c.805-865del (NM_001131005.2, NM_001364352.2, NM_001364343.2); c.865-865del (NM_001193347.1, NM_001364338.2); c.667-865del (NM_001193348.1); and 1 more.
Identifiers: ClinVar variation 158888 (VCV000158888.13), dbSNP rs587783749, ClinGen allele CA172593.